The following is an entry in ClinVar:

NM_015512.5(DNAH1):c.5347C>T (p.Arg1783Trp)

Gene: DNAH1 (dynein axonemal heavy chain 1; plus strand). Cytogenetic location: 3p21.1.
Variant type: single nucleotide variant.
Coding change: c.5347C>T on transcript NM_015512.5 (MANE Select); coding-DNA position 5347, C replaced by T.
Protein change: p.Arg1783Trp; replaces arginine 1783 with tryptophan.
Molecular consequence: missense variant.
Genome position (GRCh38, 1-based): chr3:52,364,848, C>T. VCF-style: chr3-52364848-C-T. GRCh37 (hg19) VCF-style: chr3-52398864-C-T.
Other names: short protein forms R1783W.
Identifiers: ClinVar variation 1698856 (VCV001698856.5), dbSNP rs759947620, ClinGen allele CA2434191.

ClinVar aggregate classification (germline): Uncertain significance. Review status: criteria provided, multiple submitters, no conflicts (2 of 4 stars). 2 submissions from 2 submitters: Uncertain significance (2). Last evaluated 2022-10-17.

Conditions:
Spermatogenic failure 18. Identifiers: MedGen C4539783, MONDO:0054615, OMIM 617576.
Ciliary dyskinesia, primary, 37 (CILD37). Also called: CILIARY DYSKINESIA, PRIMARY, 37, WITH OR WITHOUT SITUS INVERSUS. Identifiers: MedGen C4539798, MONDO:0033204, OMIM 617577.

Allele frequency attached by ClinVar (database versions not stated): gnomAD 0.00001; gnomAD exomes 0.00001; TOPMed 0.00002; ExAC 0.00003.

Submissions (2):

Labcorp Genetics (formerly Invitae), Labcorp
Classification: Uncertain significance for Ciliary dyskinesia, primary, 37; Spermatogenic failure 18. Last evaluated: 2022-10-17. Review status: criteria provided, single submitter. Criteria: Invitae Variant Classification Sherloc (09022015). Collection method: clinical testing. Allele origin: germline.
Comment: This sequence change replaces arginine, which is basic and polar, with tryptophan, which is neutral and slightly polar, at codon 1783 of the DNAH1 protein (p.Arg1783Trp). This variant is present in population databases (rs759947620, gnomAD 0.006%). This variant has not been reported in the literature in individuals affected with DNAH1-related conditions. ClinVar contains an entry for this variant (Variation ID: 1698856). Advanced modeling of protein sequence and biophysical properties (such as structural, functional, and spatial information, amino acid conservation, physicochemical variation, residue mobility, and thermodynamic stability) performed at Invitae indicates that this missense variant is expected to disrupt DNAH1 protein function. In summary, the available evidence is currently insufficient to determine the role of this variant in disease. Therefore, it has been classified as a Variant of Uncertain Significance.

Genetics and Molecular Pathology, SA Pathology
Classification: Uncertain significance for Ciliary dyskinesia, primary, 37. Last evaluated: 2021-06-16. Review status: criteria provided, single submitter. Criteria: ACMG Guidelines, 2015. Collection method: clinical testing. Allele origin: germline. Inheritance: Autosomal recessive inheritance. Affected: yes.